The following is an entry in ClinVar:

ClinVar aggregate classification (germline): Uncertain significance (1 of 4 stars; one submission).

Conditions:
RAB23-related disorder. Also called: RAB23-related condition.

gnomAD v4.1: 6 of 1,614,074 alleles (0.00037%); highest among the groups gnomAD compares: African/African-American, 0.0067%; no homozygotes.

Submission:

PreventionGenetics, part of Exact Sciences
Classification: Uncertain significance for RAB23-related condition. Last evaluated: 2026-04-13. Review status: criteria provided, single submitter. Criteria: ACMG Guidelines, 2015. Collection method: clinical testing. Allele origin: germline.
Comment: The RAB23 c.311G>T variant is predicted to result in the amino acid substitution p.Arg104Ile. To our knowledge, this variant has not been reported in the literature. This variant is reported in 0.012% of alleles in individuals of African descent in gnomAD. At this time, the clinical significance of this variant is uncertain due to the absence of conclusive functional and genetic evidence.

NM_016277.5(RAB23):c.311G>T (p.Arg104Ile)

Gene: RAB23 (RAB23, member RAS oncogene family; minus strand). Cytogenetic location: 6p12.1.
Variant type: single nucleotide variant.
Coding change: c.311G>T on transcript NM_016277.5 (MANE Select); coding-DNA position 311, G replaced by T.
Protein change: p.Arg104Ile; replaces arginine 104 with isoleucine.
Molecular consequence: missense variant.
Genome position (GRCh38, 1-based): chr6:57,196,537, C>A on the plus strand (G>T on the coding strand, the complement: RAB23 is on the minus strand). VCF-style: chr6-57196537-C-A. GRCh37 (hg19) VCF-style: chr6-57061335-C-A.
Other names: c.311G>T, p.Arg104Ile (NM_001278666.2, NM_001278667.2, NM_001278668.2 and 1 more transcripts); short protein forms R104I.
Identifiers: ClinVar variation 4982300 (VCV004982300.1).